The following is an entry in ClinVar:

NM_001130438.3(SPTAN1):c.6660C>T (p.Asn2220=)

Gene: SPTAN1 (spectrin alpha, non-erythrocytic 1; plus strand). Cytogenetic location: 9q34.11.
Variant type: single nucleotide variant.
Coding change: c.6660C>T on transcript NM_001130438.3 (MANE Select); coding-DNA position 6660, C replaced by T.
Protein change: p.Asn2220=; no amino-acid change (asparagine 2220 retained).
Molecular consequence: synonymous variant.
Genome position (GRCh38, 1-based): chr9:128,627,469, C>T. VCF-style: chr9-128627469-C-T. GRCh37 (hg19) VCF-style: chr9-131389748-C-T.
Other names: p.N2220N:AAC>AAT; p.Asn2220=; c.6585C>T, p.Asn2195= (NM_001195532.2); c.6660C>T, p.Asn2220= (NM_001363759.2); c.6600C>T, p.Asn2200= (NM_001363765.2); c.6645C>T, p.Asn2215= (NM_003127.4).
Identifiers: ClinVar variation 139311 (VCV000139311.27), dbSNP rs112955915, ClinGen allele CA295190.

ClinVar aggregate classification (germline): Benign/Likely benign. Review status: criteria provided, multiple submitters, no conflicts (2 of 4 stars). 9 submissions from 9 submitters: Benign (6); Likely benign (2). 1 of the submissions does not count toward it. Last evaluated 2026-02-03.

Conditions:
Early-infantile DEE. Also called: Early infantile epileptic encephalopathy with suppression bursts; Early infantile epileptic encephalopathy; Ohtahara syndrome. Identifiers: Orphanet 1934, MedGen C0393706, MONDO:0800491.
SPTAN1-related disorder. Also called: SPTAN1-related disorders; SPTAN1-related condition.
Inborn genetic diseases. Identifiers: MedGen C0950123, MeSH D030342.
Developmental and epileptic encephalopathy, 5 (DEE5). Identifiers: Orphanet 3451, MedGen C3150731, MONDO:0013277, OMIM 613477.

Allele frequency attached by ClinVar (database versions not stated): gnomAD exomes 0.00075 and 0.00136; ExAC 0.00283; gnomAD 0.00617 and 0.00645; ESP Exome Variant Server 0.00635; TOPMed 0.00665; 1000 Genomes Project 0.00759; 1000 Genomes Project 30x 0.00843.
gnomAD v4.1: 2,028 of 1,551,172 alleles (0.13%); highest among the groups gnomAD compares: African/African-American, 2.1%; 14 homozygotes.

Submissions (9):

Labcorp Genetics (formerly Invitae), Labcorp
Classification: Benign for Early-infantile DEE. Last evaluated: 2026-02-03. Review status: criteria provided, single submitter. Criteria: Invitae Variant Classification Sherloc (09022015). Collection method: clinical testing. Allele origin: germline.

Blueprint Genetics
Classification: Likely benign. Last evaluated: 2024-11-25. Review status: criteria provided, single submitter. Criteria: ACMG Guidelines, 2015. Collection method: clinical testing. Allele origin: germline.

Mayo Clinic Laboratories, Mayo Clinic
Classification: Benign. Last evaluated: 2023-06-14. Review status: criteria provided, single submitter. Criteria: ACMG Guidelines, 2015. Collection method: clinical testing. Allele origin: germline. Observed: 7 variant alleles.
Comment: BA1, BP4, BP7

Genome-Nilou Lab
Classification: Benign for Developmental and epileptic encephalopathy, 5. Last evaluated: 2021-07-15. Review status: criteria provided, single submitter. Criteria: ACMG Guidelines, 2015. Collection method: clinical testing. Allele origin: germline. Affected: no.

Athena Diagnostics
Classification: Benign. Last evaluated: 2018-08-08. Review status: criteria provided, single submitter. Criteria: Athena Diagnostics Criteria. Collection method: clinical testing. Allele origin: germline.

Ambry Genetics
Classification: Benign for Inborn genetic diseases. Last evaluated: 2016-03-18. Review status: criteria provided, single submitter. Criteria: Ambry Variant Classification Scheme 2023. Collection method: clinical testing. Allele origin: germline.

GeneDx
Classification: Benign. Last evaluated: 2013-02-07. Review status: criteria provided, single submitter. Criteria: GeneDx Variant Classification (06012015). Collection method: clinical testing. Allele origin: germline. Affected: yes.
Comment: This variant is considered likely benign or benign based on one or more of the following criteria: it is a conservative change, it occurs at a poorly conserved position in the protein, it is predicted to be benign by multiple in silico algorithms, and/or has population frequency not consistent with disease.

Genetic Services Laboratory, University of Chicago
Classification: Likely benign. Last evaluated: 2012-09-07. Review status: criteria provided, single submitter. Criteria: ACMG Guidelines, 2007. Collection method: clinical testing. Allele origin: germline. Inheritance: Autosomal dominant inheritance.
Comment: Likely benign based on allele frequency in 1000 Genomes Project or ESP global frequency and its presence in a patient with a rare or unrelated disease phenotype. NOT Sanger confirmed

PreventionGenetics, part of Exact Sciences
Classification: Benign for SPTAN1-related condition. Last evaluated: 2022-10-12. Review status: no assertion criteria provided. Collection method: clinical testing. Allele origin: germline. Not counted in ClinVar's aggregate classification.
Comment: This variant is classified as benign based on ACMG/AMP sequence variant interpretation guidelines (Richards et al. 2015 PMID: 25741868, with internal and published modifications).